The following is an entry in ClinVar:

ClinVar aggregate classification (germline): Uncertain significance. Review status: criteria provided, multiple submitters, no conflicts (2 of 4 stars). 3 submissions from 3 submitters: Uncertain significance (3). Last evaluated 2024-02-20.

Conditions:
Nephronophthisis. Also called: Juvenile Nephronophthisis. Identifiers: Orphanet 655, MedGen C0687120, MONDO:0019005, HP:0000090.
Senior-Loken syndrome 5 (SLSN5). Identifiers: Orphanet 3156, MedGen C1836517, MONDO:0012225, OMIM 609254.

Allele frequency attached by ClinVar (database versions not stated): gnomAD 0.00002 and 0.00003; gnomAD exomes 0.00003; TOPMed 0.00004; 1000 Genomes Project 30x 0.00016; 1000 Genomes Project 0.00020.
gnomAD v4.1: 40 of 1,613,610 alleles (0.0025%); highest among the groups gnomAD compares: Non-Finnish European, 0.0034%; no homozygotes.

Submissions (3):

Blueprint Genetics
Classification: Uncertain significance. Last evaluated: 2024-02-20. Review status: criteria provided, single submitter. Criteria: ACMG Guidelines, 2015. Collection method: clinical testing. Allele origin: germline.

Labcorp Genetics (formerly Invitae), Labcorp
Classification: Uncertain significance for Nephronophthisis. Last evaluated: 2022-08-06. Review status: criteria provided, single submitter. Criteria: Invitae Variant Classification Sherloc (09022015). Collection method: clinical testing. Allele origin: germline.
Comment: This sequence change replaces lysine, which is basic and polar, with arginine, which is basic and polar, at codon 349 of the IQCB1 protein (p.Lys349Arg). This variant is not present in population databases (gnomAD no frequency). This variant has not been reported in the literature in individuals affected with IQCB1-related conditions. ClinVar contains an entry for this variant (Variation ID: 216488). Algorithms developed to predict the effect of missense changes on protein structure and function output the following: SIFT: "Tolerated"; PolyPhen-2: "Benign"; Align-GVGD: "Class C0". The arginine amino acid residue is found in multiple mammalian species, which suggests that this missense change does not adversely affect protein function. In summary, the available evidence is currently insufficient to determine the role of this variant in disease. Therefore, it has been classified as a Variant of Uncertain Significance.

Fulgent Genetics
Classification: Uncertain significance for Senior-Loken syndrome 5. Last evaluated: 2022-05-17. Review status: criteria provided, single submitter. Criteria: ACMG Guidelines, 2015. Collection method: clinical testing. Allele origin: unknown.

NM_001023570.4(IQCB1):c.1046A>G (p.Lys349Arg)

Gene: IQCB1 (IQ motif containing B1; minus strand). Cytogenetic location: 3q13.33.
Variant type: single nucleotide variant.
Coding change: c.1046A>G on transcript NM_001023570.4 (MANE Select); coding-DNA position 1046, A replaced by G.
Protein change: p.Lys349Arg; replaces lysine 349 with arginine.
Molecular consequence: missense variant. On other transcripts: non-coding transcript variant (1).
Genome position (GRCh38, 1-based): chr3:121,790,156, T>C on the plus strand (A>G on the coding strand, the complement: IQCB1 is on the minus strand). VCF-style: chr3-121790156-T-C. GRCh37 (hg19) VCF-style: chr3-121509003-T-C.
Other names: c.647A>G, p.Lys216Arg (NM_001023571.4); c.1046A>G, p.Lys349Arg (NM_001319107.2); short protein forms K349R, K216R.
Identifiers: ClinVar variation 216488 (VCV000216488.8), dbSNP rs200158965, ClinGen allele CA338586.